The following is an entry in ClinVar:

ClinVar aggregate classification (germline): Uncertain significance. Review status: criteria provided, multiple submitters, no conflicts (2 of 4 stars). 2 submissions from 2 submitters: Uncertain significance (2). Last evaluated 2024-10-21.

Conditions:
Hereditary cancer-predisposing syndrome. Also called: Tumor predisposition; Neoplastic Syndromes, Hereditary; Hereditary Cancer Syndrome; Hereditary neoplastic syndrome. Identifiers: Orphanet 140162, MedGen C0027672, MeSH D009386, MONDO:0015356.
Neuroblastoma, susceptibility to, 3. Also called: ALK-Related Neuroblastic Tumor Susceptibility. Identifiers: Orphanet 635, MedGen C2751681, MONDO:0013083, OMIM 613014.

Allele frequency attached by ClinVar (database versions not stated): gnomAD exomes below 0.00001; TOPMed below 0.00001; gnomAD 0.00001.
gnomAD v4.1: 2 of 1,613,566 alleles (0.00012%); highest among the groups gnomAD compares: African/African-American, 0.0027%; no homozygotes.

Submissions (2):

Ambry Genetics
Classification: Uncertain significance for Hereditary cancer-predisposing syndrome. Last evaluated: 2024-10-21. Review status: criteria provided, single submitter. Criteria: Ambry Variant Classification Scheme 2023. Collection method: clinical testing. Allele origin: germline.
Comment: The p.I543V variant (also known as c.1627A>G), located in coding exon 8 of the ALK gene, results from an A to G substitution at nucleotide position 1627. The isoleucine at codon 543 is replaced by valine, an amino acid with highly similar properties. This amino acid position is conserved. In addition, this alteration is predicted to be tolerated by in silico analysis. Since supporting evidence is limited at this time, the clinical significance of this alteration remains unclear.

Labcorp Genetics (formerly Invitae), Labcorp
Classification: Uncertain significance for Neuroblastoma, susceptibility to, 3. Last evaluated: 2024-01-30. Review status: criteria provided, single submitter. Criteria: Invitae Variant Classification Sherloc (09022015). Collection method: clinical testing. Allele origin: germline.
Comment: This sequence change replaces isoleucine, which is neutral and non-polar, with valine, which is neutral and non-polar, at codon 543 of the ALK protein (p.Ile543Val). The frequency data for this variant in the population databases is considered unreliable, as metrics indicate poor data quality at this position in the gnomAD database. This variant has not been reported in the literature in individuals affected with ALK-related conditions. ClinVar contains an entry for this variant (Variation ID: 1776720). An algorithm developed to predict the effect of missense changes on protein structure and function (PolyPhen-2) suggests that this variant is likely to be tolerated. In summary, the available evidence is currently insufficient to determine the role of this variant in disease. Therefore, it has been classified as a Variant of Uncertain Significance.

NM_004304.5(ALK):c.1627A>G (p.Ile543Val)

Gene: ALK (ALK receptor tyrosine kinase; minus strand). Cytogenetic location: 2p23.2.
Variant type: single nucleotide variant.
Coding change: c.1627A>G on transcript NM_004304.5 (MANE Select); coding-DNA position 1627, A replaced by G.
Protein change: p.Ile543Val; replaces isoleucine 543 with valine.
Molecular consequence: missense variant.
Genome position (GRCh38, 1-based): chr2:29,318,324, T>C on the plus strand (A>G on the coding strand, the complement: ALK is on the minus strand). VCF-style: chr2-29318324-T-C. GRCh37 (hg19) VCF-style: chr2-29541190-T-C.
Other names: short protein forms I543V.
Identifiers: ClinVar variation 1776720 (VCV001776720.8), dbSNP rs1308199300, ClinGen allele CA346470925.